The following is an entry in ClinVar:

ClinVar aggregate classification (germline): Pathogenic (1 of 4 stars; one submission).

gnomAD v4.1: 21 of 1,612,936 alleles (0.0013%); highest among the groups gnomAD compares: Non-Finnish European, 0.0017%; no homozygotes.

Submission:

Labcorp Genetics (formerly Invitae), Labcorp
Classification: Pathogenic. Last evaluated: 2025-04-17. Review status: criteria provided, single submitter. Criteria: Invitae Variant Classification Sherloc (09022015). Collection method: clinical testing. Allele origin: germline.
Comment: This sequence change creates a premature translational stop signal (p.Gln182*) in the LRRC56 gene. It is expected to result in an absent or disrupted protein product. Loss-of-function variants in LRRC56 are known to be pathogenic (PMID: 30388400). The frequency data for this variant in the population databases is considered unreliable, as metrics indicate poor data quality at this position in the gnomAD database. This variant has not been reported in the literature in individuals affected with LRRC56-related conditions. For these reasons, this variant has been classified as Pathogenic.

Literature cited by the submitters: PubMed 30388400.

NM_198075.4(LRRC56):c.544C>T (p.Gln182Ter)

Gene: LRRC56 (leucine rich repeat containing 56; plus strand). Cytogenetic location: 11p15.5.
Variant type: single nucleotide variant.
Coding change: c.544C>T on transcript NM_198075.4 (MANE Select); coding-DNA position 544, C replaced by T.
Protein change: p.Gln182Ter; replaces glutamine 182 with a stop codon.
Molecular consequence: nonsense.
Genome position (GRCh38, 1-based): chr11:550,192, C>T. VCF-style: chr11-550192-C-T. GRCh37 (hg19) VCF-style: chr11-550192-C-T.
Other names: c.544C>T, p.Gln182Ter (NM_001441283.1, NM_001441284.1, NM_001441285.1 and 1 more transcripts); short protein forms Q182*.
Identifiers: ClinVar variation 4747658 (VCV004747658.1).
Genomic context (GRCh38, chr11:550,192, plus strand): 5'-TTGGAGGTGCTGGACCTGGAGGGCAACAGCGTGGAGGACCTGGGGCAGGTGCGCTACTTG[C>T]AGCTGTGCCCACGCCTGGCCATGCTCACCCTGGAGGGCAACCTGGTGTGCCTACAGCCGG-3'